The following is an entry in ClinVar:

NM_001205293.3(CACNA1E):c.2920C>T (p.Gln974Ter)

Gene: CACNA1E (calcium voltage-gated channel subunit alpha1 E; plus strand). Cytogenetic location: 1q25.3.
Variant type: single nucleotide variant.
Coding change: c.2920C>T on transcript NM_001205293.3 (MANE Select); coding-DNA position 2920, C replaced by T.
Protein change: p.Gln974Ter; replaces glutamine 974 with a stop codon.
Molecular consequence: nonsense.
Genome position (GRCh38, 1-based): chr1:181,733,006, C>T. VCF-style: chr1-181733006-C-T. GRCh37 (hg19) VCF-style: chr1-181702142-C-T.
Other names: c.2920C>T, p.Gln974Ter (NM_000721.4); c.2863C>T, p.Gln955Ter (NM_001205294.2); short protein forms Q955*, Q974*.
Identifiers: ClinVar variation 2574224 (VCV002574224.1), dbSNP rs2528702515, ClinGen allele CA343619531.
Genomic context (GRCh38, chr1:181,733,006, plus strand): 5'-ACTGAAGGGGAGAAGGACCATGAGCTCAGGGGCAACCATGGTGCCAAGGAGCCAACGATC[C>T]AAGAAGAGAGAGCCCAGGATTTAAGGAGGTGAGTGAGTCACAGGGCTCCCAGATGGATGG-3'

ClinVar aggregate classification (germline): Uncertain significance (1 of 4 stars; one submission).

Submission:

GeneDx
Classification: Uncertain significance. Last evaluated: 2023-01-13. Review status: criteria provided, single submitter. Criteria: GeneDx Variant Classification Process June 2021. Collection method: clinical testing. Allele origin: germline. Affected: yes.
Comment: Not observed at significant frequency in large population cohorts (gnomAD); Nonsense variant predicted to result in protein truncation or nonsense mediated decay in a gene or region of a gene for which loss of function is not a well-established mechanism of disease; Has not been previously published as pathogenic or benign to our knowledge